The following is an entry in ClinVar:

ClinVar aggregate classification (germline): Uncertain significance. Review status: criteria provided, multiple submitters, no conflicts (2 of 4 stars). 2 submissions from 2 submitters: Uncertain significance (2). Last evaluated 2025-04-11.

Conditions:
Hereditary cancer-predisposing syndrome. Also called: Hereditary neoplastic syndrome; Hereditary Cancer Syndrome; Tumor predisposition; Neoplastic Syndromes, Hereditary. Identifiers: Orphanet 140162, MedGen C0027672, MeSH D009386, MONDO:0015356.
Tuberous sclerosis 2 (TSC2). Identifiers: Orphanet 805, MedGen C1860707, MONDO:0013199, OMIM 613254.

Submissions (2):

Ambry Genetics
Classification: Uncertain significance for Hereditary cancer-predisposing syndrome. Last evaluated: 2025-04-11. Review status: criteria provided, single submitter. Criteria: Ambry Variant Classification Scheme 2023. Collection method: clinical testing. Allele origin: germline.
Comment: The p.T382S variant (also known as c.1144A>T), located in coding exon 11 of the TSC2 gene, results from an A to T substitution at nucleotide position 1144. The threonine at codon 382 is replaced by serine, an amino acid with similar properties. This amino acid position is conserved. In addition, this alteration is predicted to be tolerated by in silico analysis. Based on the available evidence, the clinical significance of this variant remains unclear.

Labcorp Genetics (formerly Invitae), Labcorp
Classification: Uncertain significance for Tuberous sclerosis 2. Last evaluated: 2021-12-21. Review status: criteria provided, single submitter. Criteria: Invitae Variant Classification Sherloc (09022015). Collection method: clinical testing. Allele origin: germline.
Comment: ClinVar contains an entry for this variant (Variation ID: 969843). In summary, the available evidence is currently insufficient to determine the role of this variant in disease. Therefore, it has been classified as a Variant of Uncertain Significance. Algorithms developed to predict the effect of sequence changes on RNA splicing suggest that this variant may create or strengthen a splice site. Advanced modeling of protein sequence and biophysical properties (such as structural, functional, and spatial information, amino acid conservation, physicochemical variation, residue mobility, and thermodynamic stability) performed at Invitae indicates that this missense variant is not expected to disrupt TSC2 protein function. This variant has not been reported in the literature in individuals affected with TSC2-related conditions. This variant is not present in population databases (gnomAD no frequency). This sequence change replaces threonine, which is neutral and polar, with serine, which is neutral and polar, at codon 382 of the TSC2 protein (p.Thr382Ser).

NM_000548.5(TSC2):c.1144A>T (p.Thr382Ser)

Gene: TSC2 (TSC complex subunit 2; plus strand). Cytogenetic location: 16p13.3.
Variant type: single nucleotide variant.
Coding change: c.1144A>T on transcript NM_000548.5 (MANE Select); coding-DNA position 1144, A replaced by T.
Protein change: p.Thr382Ser; replaces threonine 382 with serine.
Molecular consequence: missense variant.
Genome position (GRCh38, 1-based): chr16:2,061,895, A>T. VCF-style: chr16-2061895-A-T. GRCh37 (hg19) VCF-style: chr16-2111896-A-T.
Other names: c.1144A>T, p.Thr382Ser (NM_001077183.3, NM_001363528.2, NM_001370404.1 and 3 more transcripts); c.997A>T, p.Thr333Ser (NM_001318829.2); c.544A>T, p.Thr182Ser (NM_001318831.2); c.1177A>T, p.Thr393Ser (NM_001318832.2); c.1033A>T, p.Thr345Ser (NM_001318827.2); short protein forms T182S, T382S, T345S, T393S, T333S.
Identifiers: ClinVar variation 969843 (VCV000969843.10), dbSNP rs2086683040, ClinGen allele CA394320006.